The following is an entry in ClinVar:

ClinVar aggregate classification (germline): Pathogenic. Review status: criteria provided, multiple submitters, no conflicts (2 of 4 stars). 6 submissions from 6 submitters: Pathogenic (5). 1 of the submissions does not count toward it. Last evaluated 2024-02-28.

Conditions:
Juvenile polyposis syndrome (JPS). Identifiers: Orphanet 2929, MedGen C0345893, MONDO:0017380, OMIM 174900.
Juvenile polyposis/hereditary hemorrhagic telangiectasia syndrome (JPHT). Also called: JP/HHT SYNDROME; JUVENILE POLYPOSIS WITH HEREDITARY HEMORRHAGIC TELANGIECTASIA; POLYPOSIS, GENERALIZED JUVENILE, WITH PULMONARY ARTERIOVENOUS MALFORMATION; TELANGIECTASIA, HEREDITARY HEMORRHAGIC, WITH JUVENILE POLYPOSIS COLI; Juvenile Polyposis Syndrome / Hereditary Hemorrhagic Telangiectasia (JPS/HHT). Identifiers: Orphanet 2929, MedGen C1832942, MONDO:0008278, OMIM 175050.

Submissions (6):

All of Us Research Program, National Institutes of Health
Classification: Pathogenic for Juvenile polyposis/hereditary hemorrhagic telangiectasia syndrome. Last evaluated: 2024-02-28. Review status: criteria provided, single submitter. Criteria: ACMG Guidelines, 2015. Collection method: clinical testing. Allele origin: germline. Inheritance: Autosomal dominant inheritance. Observed: 1 variant allele, 1 heterozygote.
Comment: This variant is predicted to result in loss of protein function through nonsense-mediated decay or protein truncation. Loss of function is an established mechanism of disease. This variant has been reported in multiple individuals with juvenile polyposis syndrome (PMID: 22331366, 23399955, 33097490, 35283344). It is absent from large population databases, including the Genome Aggregation Database.

This study involves interpretation of variants in research participants for the purpose of population health screening. Participant phenotype was not available at the time of variant classification. Additional details can be found in publication PMID: 35346344, PMCID: PMC8962531

Myriad Genetics, Inc.
Classification: Pathogenic for Juvenile polyposis/hereditary hemorrhagic telangiectasia syndrome. Last evaluated: 2024-02-09. Review status: criteria provided, single submitter. Criteria: Myriad Autosomal Dominant, Autosomal Recessive and X-Linked Classification Criteria (2023). Collection method: clinical testing. Allele origin: unknown.
Comment: This variant is considered pathogenic. This variant creates a frameshift predicted to result in premature protein truncation.

Labcorp Genetics (formerly Invitae), Labcorp
Classification: Pathogenic for Juvenile polyposis syndrome. Last evaluated: 2022-01-26. Review status: criteria provided, single submitter. Criteria: Invitae Variant Classification Sherloc (09022015). Collection method: clinical testing. Allele origin: germline.
Comment: This sequence change creates a premature translational stop signal (p.Ser411Leufs*17) in the SMAD4 gene. It is expected to result in an absent or disrupted protein product. Loss-of-function variants in SMAD4 are known to be pathogenic (PMID: 16152648, 16436638, 22810475). This variant is not present in population databases (gnomAD no frequency). This premature translational stop signal has been observed in individual(s) with juvenile polyposis syndrome and hereditary hemorrhagic telangiectasia (PMID: 22331366, 23399955). This variant is also known as c.1229_1230delAG. ClinVar contains an entry for this variant (Variation ID: 182867). For these reasons, this variant has been classified as Pathogenic.

Baylor Genetics
Classification: Pathogenic for Juvenile polyposis/hereditary hemorrhagic telangiectasia syndrome. Last evaluated: 2021-10-13. Review status: criteria provided, single submitter. Criteria: ACMG Guidelines, 2015. Collection method: clinical testing. Allele origin: unknown.

GeneDx
Classification: Pathogenic. Last evaluated: 2020-01-02. Review status: criteria provided, single submitter. Criteria: GeneDx Variant Classification Process June 2021. Collection method: clinical testing. Allele origin: germline. Affected: yes.
Comment: Frameshift variant predicted to result in protein truncation or nonsense mediated decay in a gene for which loss-of-function is a known mechanism of disease; Not observed in large population cohorts (Lek 2016); This variant is associated with the following publications: (PMID: 22331366, 23399955)

Solve-RD Consortium
Classification: Likely pathogenic for Juvenile polyposis/hereditary hemorrhagic telangiectasia syndrome. Last evaluated: 2022-06-01. Review status: no assertion criteria provided. Collection method: provider interpretation. Allele origin: inherited. Affected: yes. Not counted in ClinVar's aggregate classification.
Comment: Variant confirmed as disease-causing by referring clinical team

Variant identified during reanalysis of unsolved cases by the Solve-RD project. The Solve-RD project has received funding from the European Union’s Horizon 2020 research and innovation programme under grant agreement No 779257.

Literature cited by the submitters: PubMed 22331366 (cited by All of Us Research Program, National Institutes of Health and Labcorp Genetics (formerly Invitae), Labcorp); PubMed 23399955 (cited by All of Us Research Program, National Institutes of Health and Labcorp Genetics (formerly Invitae), Labcorp); PubMed 33097490 (cited by All of Us Research Program, National Institutes of Health); PubMed 35283344 (cited by All of Us Research Program, National Institutes of Health); PubMed 16152648 (cited by Labcorp Genetics (formerly Invitae), Labcorp); PubMed 16436638 (cited by Labcorp Genetics (formerly Invitae), Labcorp); PubMed 22810475 (cited by Labcorp Genetics (formerly Invitae), Labcorp); PubMed 39825153 (cited by Solve-RD Consortium).

NM_005359.6(SMAD4):c.1231_1232del (p.Ser411fs)

Gene: SMAD4 (SMAD family member 4; plus strand). Cytogenetic location: 18q21.2.
Variant type: Microsatellite.
Coding change: c.1231_1232del on transcript NM_005359.6 (MANE Select); coding-DNA positions 1231 to 1232, 2 bases deleted (AG; older notation c.1231_1232delAG).
Protein change: p.Ser411fs; shifts the reading frame from serine 411.
Molecular consequence: frameshift variant.
Genome position (GRCh38, 1-based): chr18:51,067,110-51,067,111, AG deleted; deleting any 2 consecutive bases within chr18:51,067,108-51,067,111 gives the same sequence; the c. name uses the placement nearest the transcript's 3' end. VCF-style (leftmost placement, unchanged base first): chr18-51067107-CAG-C. GRCh37 (hg19) VCF-style: chr18-48593477-CAG-C.
Other names: c.1231_1232delAG (NM_005359.5); short protein forms S411fs.
Identifiers: ClinVar variation 182867 (VCV000182867.14), dbSNP rs730881952, ClinGen allele CA299957.